The following is an entry in ClinVar:

NM_006445.4(PRPF8):c.4231T>G (p.Ser1411Ala)

Gene: PRPF8 (pre-mRNA processing factor 8; minus strand). Cytogenetic location: 17p13.3.
Variant type: single nucleotide variant.
Coding change: c.4231T>G on transcript NM_006445.4 (MANE Select); coding-DNA position 4231, T replaced by G.
Protein change: p.Ser1411Ala; replaces serine 1411 with alanine.
Molecular consequence: missense variant.
Genome position (GRCh38, 1-based): chr17:1,661,378, A>C on the plus strand (T>G on the coding strand, the complement: PRPF8 is on the minus strand). VCF-style: chr17-1661378-A-C. GRCh37 (hg19) VCF-style: chr17-1564672-A-C.
Other names: short protein forms S1411A.
Identifiers: ClinVar variation 3893369 (VCV003893369.1).
Genomic context (GRCh38, chr17:1,661,378, plus strand): 5'-CCAGTGTGTGCCGGTCCTTCTGGAAGAGGGTATTGATTCGAGGAATGCCACGATCCCATG[A>C]ATCTTCTAGGTCTTCTAAAGTCAGGCGTCTTCCAAAAAAAGAAAGATTCAAGTCAAAACG-3'
Protein context (NP_006436.3, residues 1401-1421): RRLTLEDLED[Ser1411Ala]WDRGIPRINT

ClinVar aggregate classification (germline): Uncertain significance (1 of 4 stars; one submission).

Submission:

GeneDx
Classification: Uncertain significance. Last evaluated: 2024-10-18. Review status: criteria provided, single submitter. Criteria: GeneDx Variant Classification Process June 2021. Collection method: clinical testing. Allele origin: germline. Affected: yes.
Comment: Not observed at significant frequency in large population cohorts (gnomAD); In silico analysis supports that this missense variant has a deleterious effect on protein structure/function; Has not been previously published as pathogenic or benign to our knowledge